The following is an entry in ClinVar:

ClinVar aggregate classification (germline): Uncertain significance (1 of 4 stars; one submission).

Allele frequency attached by ClinVar (database versions not stated): ExAC 0.00002; gnomAD exomes 0.00002.

Submission:

Labcorp Genetics (formerly Invitae), Labcorp
Classification: Uncertain significance. Last evaluated: 2021-12-03. Review status: criteria provided, single submitter. Criteria: Invitae Variant Classification Sherloc (09022015). Collection method: clinical testing. Allele origin: germline.
Comment: This sequence change replaces valine with methionine at codon 360 of the ANK3 protein (p.Val360Met). The valine residue is highly conserved and there is a small physicochemical difference between valine and methionine. This variant is present in population databases (rs780148122, gnomAD 0.01%). This variant has not been reported in the literature in individuals affected with ANK3-related conditions. Algorithms developed to predict the effect of missense changes on protein structure and function are either unavailable or do not agree on the potential impact of this missense change (SIFT: "Not Available"; PolyPhen-2: "Probably Damaging"; Align-GVGD: "Not Available"). In summary, the available evidence is currently insufficient to determine the role of this variant in disease. Therefore, it has been classified as a Variant of Uncertain Significance.

NM_020987.5(ANK3):c.1078G>A (p.Val360Met)

Gene: ANK3 (ankyrin 3; minus strand). Cytogenetic location: 10q21.2.
Variant type: single nucleotide variant.
Coding change: c.1078G>A on transcript NM_020987.5 (MANE Select); coding-DNA position 1078, G replaced by A.
Protein change: p.Val360Met; replaces valine 360 with methionine.
Molecular consequence: missense variant.
Genome position (GRCh38, 1-based): chr10:60,208,152, C>T on the plus strand (G>A on the coding strand, the complement: ANK3 is on the minus strand). VCF-style: chr10-60208152-C-T. GRCh37 (hg19) VCF-style: chr10-61967910-C-T.
Other names: c.1060G>A, p.Val354Met (NM_001204403.2); c.1027G>A, p.Val343Met (NM_001204404.2); c.1078G>A, p.Val360Met (NM_001320874.2); short protein forms V343M, V354M, V360M.
Identifiers: ClinVar variation 1355399 (VCV001355399.6), dbSNP rs780148122, ClinGen allele CA5513245.